The following is an entry in ClinVar:

NM_001174147.2(LMX1B):c.1078G>A (p.Asp360Asn)

Gene: LMX1B (LIM homeobox transcription factor 1 beta; plus strand). Cytogenetic location: 9q33.3.
Variant type: single nucleotide variant.
Coding change: c.1078G>A on transcript NM_001174147.2 (MANE Select); coding-DNA position 1078, G replaced by A.
Protein change: p.Asp360Asn; replaces aspartic acid 360 with asparagine.
Molecular consequence: missense variant.
Genome position (GRCh38, 1-based): chr9:126,696,320, G>A. VCF-style: chr9-126696320-G-A. GRCh37 (hg19) VCF-style: chr9-129458599-G-A.
Other names: c.1090G>A, p.Asp364Asn (NM_001174146.2); c.1057G>A, p.Asp353Asn (NM_002316.4); short protein forms D353N, D364N, D360N.
Identifiers: ClinVar variation 913732 (VCV000913732.4), dbSNP rs772632723, ClinGen allele CA5242552.
Genomic context (GRCh38, chr9:126,696,320, plus strand): 5'-GTACCCCGGTCCTGACACCCCTTCTGCCCCCCAGGGAACGACTCCATCTTCCATGACATC[G>A]ACAGCGATACCTCCTTAACCAGCCTCAGCGACTGCTTCCTCGGCTCCTCAGACGTGGGCT-3'
Protein context (NP_001167618.1, residues 350-370): YGNDSIFHDI[Asp360Asn]SDTSLTSLSD

ClinVar aggregate classification (germline): Likely benign (1 of 4 stars; one submission).

Conditions:
Nail-patella syndrome (NPS). Also called: FONG DISEASE; ONYCHOOSTEODYSPLASIA; TURNER-KIESER SYNDROME. Identifiers: Orphanet 2614, MedGen C0027341, MONDO:0008061, OMIM 161200.

Allele frequency attached by ClinVar (database versions not stated): gnomAD 0.00001; gnomAD exomes 0.00001 and 0.00002; TOPMed 0.00001; ExAC 0.00002.

Submission:

Illumina Laboratory Services, Illumina
Classification: Likely benign for Nail-patella syndrome. Last evaluated: 2018-01-13. Review status: criteria provided, single submitter. Criteria: ICSL Variant Classification Criteria 13 December 2019. Collection method: clinical testing. Allele origin: germline.
Comment: This variant was observed in the ICSL laboratory as part of a predisposition screen in an ostensibly healthy population. It had not been previously curated by ICSL or reported in the Human Gene Mutation Database (HGMD: prior to June 1st, 2018), and was therefore a candidate for classification through an automated scoring system. Utilizing variant allele frequency, disease prevalence and penetrance estimates, and inheritance mode, an automated score was calculated to assess if this variant is too frequent to cause the disease. Based on the score and internal cut-off values, a variant classified as likely benign is not then subjected to further curation. The score for this variant resulted in a classification of likely benign for this disease.